The following is an entry in ClinVar:

NM_033380.3(COL4A5):c.991-7T>A

Gene: COL4A5 (collagen type IV alpha 5 chain; plus strand). Cytogenetic location: Xq22.3.
Variant type: single nucleotide variant.
Coding change: c.991-7T>A on transcript NM_033380.3 (MANE Select); 7 bases into the intron before coding-DNA position 991, T replaced by A.
Molecular consequence: intron variant.
Genome position (GRCh38, 1-based): chrX:108,584,477, T>A. VCF-style: chrX-108584477-T-A. GRCh37 (hg19) VCF-style: chrX-107827707-T-A.
Other names: c.991-7T>A (NM_000495.5).
Identifiers: ClinVar variation 1526147 (VCV001526147.3), dbSNP rs2147784245, ClinGen allele CA2573159084.
Genomic context (GRCh38, chrX:108,584,477, plus strand): 5'-ATATTCTTGAGGAAATTGATGTTTTCATGTGAATTTTACTAACCTATTTTACAATTGCAT[T>A]GAACAGGGCCAAAAAGGTGACACTGGCCCACCTGGACCTCCTGGACTTGTAAGTTTTTTT-3'

ClinVar aggregate classification (germline): Likely pathogenic (1 of 4 stars; one submission).

Conditions:
X-linked Alport syndrome (ATS1). Also called: COL4A5-Related Nephropathy; NEPHROPATHY AND DEAFNESS, X-LINKED. Identifiers: Orphanet 63, Orphanet 88917, MedGen C4746986, MONDO:0010520, OMIM 301050.

Submission:

3billion
Classification: Likely pathogenic for X-linked Alport syndrome. Last evaluated: 2025-09-05. Review status: criteria provided, single submitter. Criteria: ACMG Guidelines, 2015. Collection method: clinical testing. Allele origin: germline. Affected: yes.
Comment: The variant is not observed in the gnomAD v4.1.0 dataset. Predicted Consequence/Location: Intron variant In silico tools predict the variant to alter splicing and produce an abnormal transcript [SpliceAI: 0.96 (>=0.2, moderate evidence for spliceogenicity)]. The variant has been reported as of uncertain significance (ClinVar ID: VCV001526147; PMID: 37100867; 3billion dataset). Therefore, this variant is classified as Likely pathogenic according to the recommendation of ACMG/AMP guideline.